The following is an entry in ClinVar:

ClinVar aggregate classification (germline): Uncertain significance (1 of 4 stars; one submission).

Conditions:
Leigh syndrome (NULS). Also called: Leigh's necrotizing encephalopathy; Leigh's disease; Leigh Syndrome (mtDNA deletion); Leigh Disease; Subacute necrotizing encephalopathy; Necrotizing encephalopathy infantile subacute of Leigh. Identifiers: Orphanet 506, MedGen C2931891, MONDO:0009723, OMIM 256000.

Submission:

Wong Mito Lab, Molecular and Human Genetics, Baylor College of Medicine
Classification: Uncertain significance for Leigh syndrome. Last evaluated: 2019-10-17. Review status: criteria provided, single submitter. Criteria: Modified ACMG Guidelines (Unpublished). Collection method: clinical testing. Allele origin: germline.
Comment: The NC_012920.1:m.12673A>G (YP_003024036.1:p.Asn113Asp) variant in MTND5 gene is interpretated to be a Uncertain Significance variant based on the modified ACMG guidelines (unpublished). This variant meets the following evidence codes: PP4

NC_012920.1(MT-ND5):m.12673A>G (p.Asn113Asp)

Gene: MT-ND5 (mitochondrially encoded NADH dehydrogenase 5; plus strand).
Variant type: single nucleotide variant.
Genome position: chrM-12673-A-G.
Other names: short protein forms N113D.
Identifiers: ClinVar variation 693475 (VCV000693475.1), dbSNP rs1556424143, ClinGen allele CA414814307.